The following is an entry in ClinVar:

ClinVar aggregate classification (germline): Uncertain significance (1 of 4 stars; one submission).

Conditions:
Generalized epilepsy with febrile seizures plus, type 2 (GEFSP2). Also called: GEFS+, TYPE 2. Identifiers: Orphanet 36387, MedGen C1858673, MONDO:0011461, OMIM 604403.

Submission:

Institute of Human Genetics, University of Leipzig Medical Center
Classification: Uncertain significance for Generalized epilepsy with febrile seizures plus, type 2. Last evaluated: 2021-02-03. Review status: criteria provided, single submitter. Criteria: ACMG Guidelines, 2015. Collection method: clinical testing. Allele origin: maternal. Affected: yes.
Comment: Despite strong evidence for its pathogenicity, this variant has to be classified as of unknown significance, according to the ACMG-criteria (Richards et al., 2015)

NM_001165963.4(SCN1A):c.4489G>A (p.Asp1497Asn)

Genes: SCN1A (sodium voltage-gated channel alpha subunit 1; minus strand), LOC102724058 (uncharacterized LOC102724058; plus strand). Cytogenetic location: 2q24.3.
Variant type: single nucleotide variant.
Coding change: c.4489G>A on transcript NM_001165963.4 (MANE Select); coding-DNA position 4489, G replaced by A.
Protein change: p.Asp1497Asn; replaces aspartic acid 1497 with asparagine.
Molecular consequence: missense variant. On other transcripts: non-coding transcript variant (1).
Genome position (GRCh38, 1-based): chr2:165,996,105, C>T on the plus strand (G>A on the coding strand, the complement: SCN1A is on the minus strand). VCF-style: chr2-165996105-C-T. GRCh37 (hg19) VCF-style: chr2-166852615-C-T.
Other names: c.4405G>A, p.Asp1469Asn (NM_001165964.3, NM_001353957.2, NM_001353958.2); c.4489G>A, p.Asp1497Asn (NM_001202435.3, NM_001353948.2); c.4456G>A, p.Asp1486Asn (NM_001353949.2, NM_001353950.2, NM_001353951.2 and 2 more transcripts); c.4453G>A, p.Asp1485Asn (NM_001353954.2, NM_001353955.2); c.4402G>A, p.Asp1468Asn (NM_001353960.2); c.2047G>A, p.Asp683Asn (NM_001353961.2); short protein forms D1468N, D1469N, D1485N, D1486N, D1497N, D683N.
Identifiers: ClinVar variation 1285509 (VCV001285509.1), dbSNP rs2105462657, ClinGen allele CA349048878.
Genomic context (GRCh38, chr2:165,996,105, plus strand): 5'-TCGATCCTAATTTTTTCATTGCATTATAGTATTTCTTCTGTTCTTCTGTCATAAAGATGT[C>T]TTGACCTCCAAAGTATAGAAAAGAAAAATCAAACTGGTTAAAACTGTGTCCTTTTGTACA-3'
Protein context (NP_001159435.1, residues 1487-1507): NQQKKKFGGQ[Asp1497Asn]IFMTEEQKKY